The following is an entry in ClinVar:

ClinVar aggregate classification (germline): Uncertain significance (1 of 4 stars; one submission).

Conditions:
Charcot-Marie-Tooth disease recessive intermediate C. Also called: CHARCOT-MARIE-TOOTH NEUROPATHY, RECESSIVE INTERMEDIATE C. Identifiers: Orphanet 369867, MedGen C3809309, MONDO:0014154, OMIM 615376.
Neuronopathy, distal hereditary motor, autosomal recessive 4. Also called: Autosomal recessive lower motor neuron disease with childhood onset; NEUROPATHY, DISTAL HEREDITARY MOTOR, AUTOSOMAL RECESSIVE 4. Identifiers: Orphanet 206580, MedGen C1970211, MONDO:0012608, OMIM 611067.

Submission:

Labcorp Genetics (formerly Invitae), Labcorp
Classification: Uncertain significance for Neuronopathy, distal hereditary motor, autosomal recessive 4; Charcot-Marie-Tooth disease recessive intermediate C. Last evaluated: 2022-05-18. Review status: criteria provided, single submitter. Criteria: Invitae Variant Classification Sherloc (09022015). Collection method: clinical testing. Allele origin: germline.
Comment: This variant is not present in population databases (gnomAD no frequency). In summary, the available evidence is currently insufficient to determine the role of this variant in disease. Therefore, it has been classified as a Variant of Uncertain Significance. Algorithms developed to predict the effect of missense changes on protein structure and function (SIFT, PolyPhen-2, Align-GVGD) all suggest that this variant is likely to be tolerated. This variant has not been reported in the literature in individuals affected with PLEKHG5-related conditions. This sequence change replaces aspartic acid, which is acidic and polar, with glutamic acid, which is acidic and polar, at codon 556 of the PLEKHG5 protein (p.Asp556Glu).

NM_020631.6(PLEKHG5):c.1668C>G (p.Asp556Glu)

Gene: PLEKHG5 (pleckstrin homology and RhoGEF domain containing G5; minus strand). Cytogenetic location: 1p36.31.
Variant type: single nucleotide variant.
Coding change: c.1668C>G on transcript NM_020631.6 (MANE Select); coding-DNA position 1668, C replaced by G.
Protein change: p.Asp556Glu; replaces aspartic acid 556 with glutamic acid.
Molecular consequence: missense variant.
Genome position (GRCh38, 1-based): chr1:6,470,518, G>C on the plus strand (C>G on the coding strand, the complement: PLEKHG5 is on the minus strand). VCF-style: chr1-6470518-G-C. GRCh37 (hg19) VCF-style: chr1-6530578-G-C.
Other names: c.1779C>G, p.Asp593Glu (NM_001042663.3, NM_001265592.2); c.1668C>G, p.Asp556Glu (NM_001042664.2, NM_001042665.2, NM_001265594.3 and 1 more transcripts); c.1875C>G, p.Asp625Glu (NM_001265593.2); short protein forms D556E, D593E, D625E.
Identifiers: ClinVar variation 2088683 (VCV002088683.4), dbSNP rs1644534293, ClinGen allele CA338124373.